The following is an entry in ClinVar:

NM_004519.4(KCNQ3):c.1220_1221del (p.Ser407fs)

Gene: KCNQ3 (potassium voltage-gated channel subfamily Q member 3; minus strand). Cytogenetic location: 8q24.22.
Variant type: Microsatellite.
Coding change: c.1220_1221del on transcript NM_004519.4 (MANE Select); coding-DNA positions 1220 to 1221, 2 bases deleted (CT; older notation c.1220_1221delCT).
Protein change: p.Ser407fs; shifts the reading frame from serine 407.
Molecular consequence: frameshift variant.
Genome position (GRCh38, 1-based): chr8:132,170,348-132,170,349, AG deleted on the plus strand (CT on the coding strand, the reverse complement: KCNQ3 is on the minus strand); deleting any 2 consecutive bases within chr8:132,170,348-132,170,352 gives the same sequence; the c. name uses the placement nearest the transcript's 3' end. VCF-style (leftmost placement, unchanged base first): chr8-132170347-AAG-A. GRCh37 (hg19) VCF-style: chr8-133182594-AAG-A.
Other names: c.860_861del, p.Ser287fs (NM_001204824.2); short protein forms S287fs, S407fs.
Identifiers: ClinVar variation 839826 (VCV000839826.9), dbSNP rs1826288852, ClinGen allele CA916083012.
Genomic context (GRCh38, chr8:132,170,347, plus strand): 5'-AGAGATGGCTGGTCACGCCCTGAGCATTCAGGTGAGTCCCCACTTGCCTGAAGAAAGGAA[AAG>A]AGACGACTGATTCATAAAATCTCCATGTCGCCACCAGGTCAATCCTGTTGGGGTTGGTAG-3'

ClinVar aggregate classification (germline): Pathogenic (1 of 4 stars; one submission).

Conditions:
Benign neonatal seizures. Also called: Benign neonatal familial convulsions; Benign familial neonatal epilepsy; Convulsions benign familial neonatal dominant form; Autosomal dominant form of benign neonatal seizures; Benign familial neonatal seizures. Identifiers: Orphanet 1949, MedGen C0220669, MONDO:0016027.

Submission:

Labcorp Genetics (formerly Invitae), Labcorp
Classification: Pathogenic for Benign neonatal seizures. Last evaluated: 2019-03-30. Review status: criteria provided, single submitter. Criteria: Invitae Variant Classification Sherloc (09022015). Collection method: clinical testing. Allele origin: germline.
Comment: This sequence change creates a premature translational stop signal (p.Ser407Phefs*27) in the KCNQ3 gene. It is expected to result in an absent or disrupted protein product. This variant is not present in population databases (ExAC no frequency). This variant has been observed to segregate with autosomal recessive epileptic encephalopathy in a family (PMID: 29852413). Loss-of-function variants in KCNQ3 are known to be pathogenic (PMID: 29383681, 29852413). For these reasons, this variant has been classified as Pathogenic.

Literature cited by the submitters: PubMed 29852413; PubMed 29383681.